The following is an entry in ClinVar:

ClinVar aggregate classification (germline): Uncertain significance (1 of 4 stars; one submission).

Conditions:
Cardiovascular phenotype. Identifiers: MedGen CN230736.

gnomAD v4.1: 2 of 1,579,376 alleles (0.00013%); highest among the groups gnomAD compares: African/African-American, 0.0013%; no homozygotes.

Submission:

Ambry Genetics
Classification: Uncertain significance for Cardiovascular phenotype. Last evaluated: 2025-01-13. Review status: criteria provided, single submitter. Criteria: Ambry Variant Classification Scheme 2023. Collection method: clinical testing. Allele origin: germline.
Comment: The p.P87T variant (also known as c.259C>A), located in coding exon 1 of the LOX gene, results from a C to A substitution at nucleotide position 259. The proline at codon 87 is replaced by threonine, an amino acid with highly similar properties. This amino acid position is conserved. In addition, this alteration is predicted to be tolerated by in silico analysis. Based on the available evidence, the clinical significance of this variant remains unclear.

NM_002317.7(LOX):c.259C>A (p.Pro87Thr)

Genes: LOX (lysyl oxidase; minus strand), SRFBP1 (serum response factor binding protein 1; plus strand). Cytogenetic location: 5q23.1.
Variant type: single nucleotide variant.
Coding change: c.259C>A on transcript NM_002317.7 (MANE Select); coding-DNA position 259, C replaced by A.
Protein change: p.Pro87Thr; replaces proline 87 with threonine.
Molecular consequence: missense variant.
Genome position (GRCh38, 1-based): chr5:122,077,727, G>T on the plus strand (C>A on the coding strand, the complement: LOX is on the minus strand). VCF-style: chr5-122077727-G-T. GRCh37 (hg19) VCF-style: chr5-121413422-G-T.
Other names: short protein forms P87T.
Identifiers: ClinVar variation 3867693 (VCV003867693.1).
Genomic context (GRCh38, chr5:122,077,727, plus strand): 5'-CCGTCCGCGTTCGCGCCGCGGCGGTGCGGTTGTCGCGGATCAGCAGGATCGGAGTGCGGG[G>T]CTGCTGGGCGGAGGCGTTGGCTGCACCAGGGACGGCGGCGCCCGGGTCCCGGCGGCGCTG-3'
Protein context (NP_002308.2, residues 77-97): PGAANASAQQ[Pro87Thr]RTPILLIRDN